The following is an entry in ClinVar:

ClinVar aggregate classification (germline): Uncertain significance (1 of 4 stars; one submission).

Conditions:
Cowden syndrome 6 (CWS6). Identifiers: Orphanet 201, MedGen C3554519, MONDO:0014048, OMIM 615109.

Submission:

Labcorp Genetics (formerly Invitae), Labcorp
Classification: Uncertain significance for Cowden syndrome 6. Last evaluated: 2023-05-25. Review status: criteria provided, single submitter. Criteria: Invitae Variant Classification Sherloc (09022015). Collection method: clinical testing. Allele origin: germline.
Comment: This sequence change replaces aspartic acid, which is acidic and polar, with histidine, which is basic and polar, at codon 453 of the AKT1 protein (p.Asp453His). This variant is not present in population databases (gnomAD no frequency). This variant has not been reported in the literature in individuals affected with AKT1-related conditions. An algorithm developed to predict the effect of missense changes on protein structure and function (PolyPhen-2) suggests that this variant is likely to be disruptive. In summary, the available evidence is currently insufficient to determine the role of this variant in disease. Therefore, it has been classified as a Variant of Uncertain Significance.

NM_001382430.1(AKT1):c.1357G>C (p.Asp453His)

Gene: AKT1 (AKT serine/threonine kinase 1; minus strand). Cytogenetic location: 14q32.33.
Variant type: single nucleotide variant.
Coding change: c.1357G>C on transcript NM_001382430.1 (MANE Select); coding-DNA position 1357, G replaced by C.
Protein change: p.Asp453His; replaces aspartic acid 453 with histidine.
Molecular consequence: missense variant.
Genome position (GRCh38, 1-based): chr14:104,770,751, C>G on the plus strand (G>C on the coding strand, the complement: AKT1 is on the minus strand). VCF-style: chr14-104770751-C-G. GRCh37 (hg19) VCF-style: chr14-105237088-C-G.
Other names: c.1357G>C, p.Asp453His (NM_001382433.1, NM_005163.2, NM_001014431.2 and 3 more transcripts); short protein forms D453H.
Identifiers: ClinVar variation 2725335 (VCV002725335.3), dbSNP rs2542102867, ClinGen allele CA391214400.